The following is an entry in ClinVar:

NM_001257.5(CDH13):c.1038G>A (p.Thr346=)

Gene: CDH13 (cadherin 13; plus strand). Cytogenetic location: 16q23.3.
Variant type: single nucleotide variant.
Coding change: c.1038G>A on transcript NM_001257.5 (MANE Select); coding-DNA position 1038, G replaced by A.
Protein change: p.Thr346=; no amino-acid change (threonine 346 retained).
Molecular consequence: synonymous variant.
Genome position (GRCh38, 1-based): chr16:83,602,531, G>A. VCF-style: chr16-83602531-G-A. GRCh37 (hg19) VCF-style: chr16-83636136-G-A.
Other names: c.1179G>A, p.Thr393= (NM_001220488.2); c.921G>A, p.Thr307= (NM_001220489.2); c.276G>A, p.Thr92= (NM_001220490.2).
Identifiers: ClinVar variation 715243 (VCV000715243.28), dbSNP rs371581191, ClinGen allele CA8196624.

ClinVar aggregate classification (germline): Likely benign. Review status: criteria provided, multiple submitters, no conflicts (2 of 4 stars). 2 submissions from 2 submitters: Likely benign (2). Last evaluated 2025-11-01.

Allele frequency attached by ClinVar (database versions not stated): 1000 Genomes Project 30x 0.00078; 1000 Genomes Project 0.00080; ExAC 0.00136; gnomAD exomes 0.00140 and 0.00273; TOPMed 0.00145; gnomAD 0.00155; ESP Exome Variant Server 0.00172.
gnomAD v4.1: 4,179 of 1,613,878 alleles (0.26%); highest among the groups gnomAD compares: Non-Finnish European, 0.33%; 10 homozygotes.

Submissions (2):

CeGaT Center for Human Genetics Tuebingen
Classification: Likely benign. Last evaluated: 2025-11-01. Review status: criteria provided, single submitter. Criteria: CeGaT Center For Human Genetics Tuebingen Variant Classification Criteria Version 2. Collection method: clinical testing. Allele origin: germline. Affected: yes. Observed: 3 variant alleles.
Comment: CDH13: BP4, BP7

Labcorp Genetics (formerly Invitae), Labcorp
Classification: Likely benign. Last evaluated: 2019-12-31. Review status: criteria provided, single submitter. Criteria: Invitae Variant Classification Sherloc (09022015). Collection method: clinical testing. Allele origin: germline.